The following is an entry in ClinVar:

ClinVar aggregate classification (germline): Pathogenic (1 of 4 stars; one submission).

Conditions:
Joubert syndrome. Also called: CEREBELLOPARENCHYMAL DISORDER IV; JOUBERT-BOLTSHAUSER SYNDROME; Familial aplasia of the vermis. Identifiers: Orphanet 475, MedGen C5979921, MONDO:0018772.

Submission:

Labcorp Genetics (formerly Invitae), Labcorp
Classification: Pathogenic for Joubert syndrome. Last evaluated: 2021-04-10. Review status: criteria provided, single submitter. Criteria: Invitae Variant Classification Sherloc (09022015). Collection method: clinical testing. Allele origin: germline.
Comment: For these reasons, this variant has been classified as Pathogenic. This sequence change creates a premature translational stop signal (p.Ala56Profs*78) in the INPP5E gene. It is expected to result in an absent or disrupted protein product. Loss-of-function variants in INPP5E are known to be pathogenic (PMID: 19668216, 23034536, 23386033, 28125082). The frequency data for this variant in the population databases is considered unreliable, as metrics indicate insufficient coverage at this position in the ExAC database. This variant has not been reported in the literature in individuals with INPP5E-related conditions.

Literature cited by the submitters: PubMed 19668216; PubMed 23034536; PubMed 23386033; PubMed 28125082.

NM_019892.6(INPP5E):c.166del (p.Ala56fs)

Gene: INPP5E (inositol polyphosphate-5-phosphatase E; minus strand). Cytogenetic location: 9q34.3.
Variant type: Deletion.
Coding change: c.166del on transcript NM_019892.6 (MANE Select); coding-DNA position 166, one base deleted (G; older notation c.166delG).
Protein change: p.Ala56fs; shifts the reading frame from alanine 56.
Molecular consequence: frameshift variant.
Genome position (GRCh38, 1-based): chr9:136,439,254, C deleted on the plus strand (G on the coding strand, the reverse complement: INPP5E is on the minus strand); the first of 2 consecutive C bases (chr9:136,439,254-136,439,255); deleting either gives the same sequence. VCF-style (leftmost placement, unchanged base first): chr9-136439253-GC-G. GRCh37 (hg19) VCF-style: chr9-139333705-GC-G.
Other names: c.166del, p.Ala56fs (NM_001318502.2); short protein forms A56fs.
Identifiers: ClinVar variation 1452581 (VCV001452581.6), dbSNP rs2131619961, ClinGen allele CA2573144382.
Genomic context (GRCh38, chr9:136,439,253, plus strand): 5'-GCGGGGGGCCGCGGGGCGATGGGTGCTGCTCGGGCTGGCGGGTCCTCGCCGCTGGGCGTG[GC>G]CGGAGTGCTGCAGGCAAGCGCGGGGCTCTCGGAGCCCGGAGCATCGGGTGGGGACCCCGC-3'